The following is an entry in ClinVar:

ClinVar aggregate classification (germline): Uncertain significance (1 of 4 stars; one submission).

Submission:

Labcorp Genetics (formerly Invitae), Labcorp
Classification: Uncertain significance. Last evaluated: 2026-02-02. Review status: criteria provided, single submitter. Criteria: Invitae Variant Classification Sherloc (09022015). Collection method: clinical testing. Allele origin: germline.
Comment: This sequence change replaces proline, which is neutral and non-polar, with arginine, which is basic and polar, at codon 547 of the CNGB3 protein (p.Pro547Arg). This variant is not present in population databases (gnomAD no frequency). This variant has not been reported in the literature in individuals affected with CNGB3-related conditions. ClinVar contains an entry for this variant (Variation ID: 1508274). Invitae Evidence Modeling of protein sequence and biophysical properties (such as structural, functional, and spatial information, amino acid conservation, physicochemical variation, residue mobility, and thermodynamic stability) has been performed for this missense variant. However, the output from this modeling did not meet the statistical confidence thresholds required to predict the impact of this variant on CNGB3 protein function. In summary, the available evidence is currently insufficient to determine the role of this variant in disease. Therefore, it has been classified as a Variant of Uncertain Significance.

NM_019098.5(CNGB3):c.1640C>G (p.Pro547Arg)

Gene: CNGB3 (cyclic nucleotide gated channel subunit beta 3; minus strand). Cytogenetic location: 8q21.3.
Variant type: single nucleotide variant.
Coding change: c.1640C>G on transcript NM_019098.5 (MANE Select); coding-DNA position 1640, C replaced by G.
Protein change: p.Pro547Arg; replaces proline 547 with arginine.
Molecular consequence: missense variant.
Genome position (GRCh38, 1-based): chr8:86,611,610, G>C on the plus strand (C>G on the coding strand, the complement: CNGB3 is on the minus strand). VCF-style: chr8-86611610-G-C. GRCh37 (hg19) VCF-style: chr8-87623838-G-C.
Other names: short protein forms P547R.
Identifiers: ClinVar variation 1508274 (VCV001508274.8), dbSNP rs2131565705, ClinGen allele CA371438530.